The following is an entry in ClinVar:

NM_000179.3(MSH6):c.3024C>G (p.Thr1008=)

Gene: MSH6 (mutS homolog 6; plus strand). Cytogenetic location: 2p16.3.
Variant type: single nucleotide variant.
Coding change: c.3024C>G on transcript NM_000179.3 (MANE Select); coding-DNA position 3024, C replaced by G.
Protein change: p.Thr1008=; no amino-acid change (threonine 1008 retained).
Molecular consequence: synonymous variant.
Genome position (GRCh38, 1-based): chr2:47,801,007, C>G. VCF-style: chr2-47801007-C-G. GRCh37 (hg19) VCF-style: chr2-48028146-C-G.
Other names: c.2634C>G, p.Thr878= (NM_001281492.2); c.2118C>G, p.Thr706= (NM_001281493.2, NM_001281494.2).
Identifiers: ClinVar variation 215650 (VCV000215650.15), dbSNP rs587780675, ClinGen allele CA339300.

ClinVar aggregate classification (germline): Benign/Likely benign. Review status: criteria provided, multiple submitters, no conflicts (2 of 4 stars). 3 submissions from 3 submitters: Benign (1); Likely benign (2). Last evaluated 2025-01-02.

Conditions:
Hereditary cancer-predisposing syndrome. Also called: Hereditary neoplastic syndrome; Neoplastic Syndromes, Hereditary; Tumor predisposition; Hereditary Cancer Syndrome. Identifiers: Orphanet 140162, MedGen C0027672, MeSH D009386, MONDO:0015356.
Hereditary nonpolyposis colorectal neoplasms. Identifiers: MedGen C0009405, MeSH D003123.
Lynch syndrome 5 (LYNCH5). Also called: Colorectal cancer, hereditary nonpolyposis, type 5; Hereditary non-polyposis colorectal cancer, type 5. Identifiers: Orphanet 144, MedGen C1833477, MONDO:0013710, OMIM 614350. Disease mechanism: loss of function.

gnomAD v4.1: 7 of 1,569,708 alleles (0.00045%); highest among the groups gnomAD compares: East Asian, 0.0022%; no homozygotes.

Submissions (3):

Myriad Genetics, Inc.
Classification: Benign for Lynch syndrome 5. Last evaluated: 2025-01-02. Review status: criteria provided, single submitter. Criteria: Myriad Autosomal Dominant, Autosomal Recessive and X-Linked Classification Criteria (2023). Collection method: clinical testing. Allele origin: unknown.
Comment: This variant is considered benign. This variant is a silent/synonymous amino acid change and it is not expected to impact splicing.

Labcorp Genetics (formerly Invitae), Labcorp
Classification: Likely benign for Hereditary nonpolyposis colorectal neoplasms. Last evaluated: 2023-08-02. Review status: criteria provided, single submitter. Criteria: Invitae Variant Classification Sherloc (09022015). Collection method: clinical testing. Allele origin: germline.

Ambry Genetics
Classification: Likely benign for Hereditary cancer-predisposing syndrome. Last evaluated: 2021-07-25. Review status: criteria provided, single submitter. Criteria: Ambry Variant Classification Scheme 2023. Collection method: clinical testing. Allele origin: germline.